The following is an entry in ClinVar:

ClinVar aggregate classification (germline): Uncertain significance (1 of 4 stars; one submission).

Conditions:
Fanconi anemia (FA). Also called: Fanconi's anemia. Identifiers: Orphanet 84, MedGen C0015625, MeSH D005199, MONDO:0019391.

Submission:

Labcorp Genetics (formerly Invitae), Labcorp
Classification: Uncertain significance for Fanconi anemia. Last evaluated: 2025-12-24. Review status: criteria provided, single submitter. Criteria: Invitae Variant Classification Sherloc (09022015). Collection method: clinical testing. Allele origin: germline.
Comment: This variant, c.1563_1565del, results in the deletion of 1 amino acid(s) of the SLX4 protein (p.Pro523del), but otherwise preserves the integrity of the reading frame. This variant is present in population databases (rs761510940, gnomAD 0.006%). This variant has not been reported in the literature in individuals affected with SLX4-related conditions. Experimental studies and prediction algorithms are not available or were not evaluated, and the functional significance of this variant is currently unknown. In summary, the available evidence is currently insufficient to determine the role of this variant in disease. Therefore, it has been classified as a Variant of Uncertain Significance.

NM_032444.4(SLX4):c.1557TCC[2] (p.Pro523del)

Gene: SLX4 (SLX4 structure-specific endonuclease subunit; minus strand). Cytogenetic location: 16p13.3.
Variant type: Microsatellite.
Coding change: c.1557TCC[2] on transcript NM_032444.4 (MANE Select); two copies in a row of the 3-base unit TCC starting at c.1557; the reference has three copies in a row; one copy, 3 bases deleted.
Protein change: p.Pro523del; deletes proline 523.
Molecular consequence: inframe deletion.
Genome position (GRCh38, 1-based): chr16:3,597,497-3,597,499, GGA deleted on the plus strand (TCC on the coding strand, the reverse complement: SLX4 is on the minus strand); deleting any 3 consecutive bases within chr16:3,597,497-3,597,505 gives the same sequence; the position shown is the placement nearest the transcript's 3' end. VCF-style (leftmost placement, unchanged base first): chr16-3597496-TGGA-T. GRCh37 (hg19) VCF-style: chr16-3647497-TGGA-T.
Other names: short protein forms P523del.
Identifiers: ClinVar variation 1463369 (VCV001463369.8), dbSNP rs761510940, ClinGen allele CA7866489.